The following is an entry in ClinVar:

ClinVar aggregate classification (germline): Uncertain significance. Review status: criteria provided, multiple submitters, no conflicts (2 of 4 stars). 2 submissions from 2 submitters: Uncertain significance (2). Last evaluated 2022-01-19.

Allele frequency attached by ClinVar (database versions not stated): gnomAD exomes 0.00001; TOPMed 0.00003; gnomAD 0.00005 and 0.00006.
gnomAD v4.1: 15 of 1,579,294 alleles (0.00095%); highest among the groups gnomAD compares: African/African-American, 0.019%; no homozygotes.

Submissions (2):

GeneDx
Classification: Uncertain significance. Last evaluated: 2022-01-19. Review status: criteria provided, single submitter. Criteria: GeneDx Variant Classification Process June 2021. Collection method: clinical testing. Allele origin: germline. Affected: yes.
Comment: In silico analysis supports that this missense variant does not alter protein structure/function; Has not been previously published as pathogenic or benign to our knowledge; This variant is associated with the following publications: (PMID: Schmidt2019[Thesis])

Ambry Genetics
Classification: Uncertain significance. Last evaluated: 2021-08-04. Review status: criteria provided, single submitter. Criteria: Ambry Variant Classification Scheme 2023. Collection method: clinical testing. Allele origin: germline.
Comment: The p.R34W variant (also known as c.100C>T), located in coding exon 1 of the GARS gene, results from a C to T substitution at nucleotide position 100. The arginine at codon 34 is replaced by tryptophan, an amino acid with dissimilar properties. This amino acid position is conserved. In addition, this alteration is predicted to be tolerated by in silico analysis. Since supporting evidence is limited at this time, the clinical significance of this alteration remains unclear.

NM_002047.4(GARS1):c.100C>T (p.Arg34Trp)

Gene: GARS1 (glycyl-tRNA synthetase 1; plus strand). Cytogenetic location: 7p14.3.
Variant type: single nucleotide variant.
Coding change: c.100C>T on transcript NM_002047.4 (MANE Select); coding-DNA position 100, C replaced by T.
Protein change: p.Arg34Trp; replaces arginine 34 with tryptophan.
Molecular consequence: missense variant. On other transcripts: 5 prime UTR variant (1).
Genome position (GRCh38, 1-based): chr7:30,595,021, C>T. VCF-style: chr7-30595021-C-T. GRCh37 (hg19) VCF-style: chr7-30634637-C-T.
Other names: c.-63C>T (NM_001316772.1); short protein forms R34W.
Identifiers: ClinVar variation 1698077 (VCV001698077.4), dbSNP rs928410877, ClinGen allele CA156096365.